The following is an entry in ClinVar:

NM_001184.4(ATR):c.5290T>C (p.Ser1764Pro)

Gene: ATR (ATR serine/threonine kinase; minus strand). Cytogenetic location: 3q23.
Variant type: single nucleotide variant.
Coding change: c.5290T>C on transcript NM_001184.4 (MANE Select); coding-DNA position 5290, T replaced by C.
Protein change: p.Ser1764Pro; replaces serine 1764 with proline.
Molecular consequence: missense variant.
Genome position (GRCh38, 1-based): chr3:142,499,717, A>G on the plus strand (T>C on the coding strand, the complement: ATR is on the minus strand). VCF-style: chr3-142499717-A-G. GRCh37 (hg19) VCF-style: chr3-142218559-A-G.
Other names: c.5098T>C, p.Ser1700Pro (NM_001354579.2); short protein forms S1700P, S1764P.
Identifiers: ClinVar variation 3330950 (VCV003330950.1).

ClinVar aggregate classification (germline): Uncertain significance (1 of 4 stars; one submission).

Conditions:
Inborn genetic diseases. Identifiers: MedGen C0950123, MeSH D030342.

Submission:

Ambry Genetics
Classification: Uncertain significance for Inborn genetic diseases. Last evaluated: 2024-05-31. Review status: criteria provided, single submitter. Criteria: Ambry Variant Classification Scheme 2023. Collection method: clinical testing. Allele origin: germline.
Comment: The p.S1764P variant (also known as c.5290T>C), located in coding exon 31 of the ATR gene, results from a T to C substitution at nucleotide position 5290. The serine at codon 1764 is replaced by proline, an amino acid with similar properties. This amino acid position is conserved. In addition, this alteration is predicted to be tolerated by in silico analysis. Based on the available evidence, the clinical significance of this variant remains unclear.